The following is an entry in ClinVar:

NM_000090.4(COL3A1):c.2370A>T (p.Ile790=)

Genes: COL3A1 (collagen type III alpha 1 chain; plus strand), LOC126806446 (P300/CBP strongly-dependent group 1 enhancer GRCh37_chr2:189866210-189867409; plus strand). Cytogenetic location: 2q32.2.
Variant type: single nucleotide variant.
Coding change: c.2370A>T on transcript NM_000090.4 (MANE Select); coding-DNA position 2370, A replaced by T.
Protein change: p.Ile790=; no amino-acid change (isoleucine 790 retained).
Molecular consequence: synonymous variant.
Genome position (GRCh38, 1-based): chr2:189,001,568, A>T. VCF-style: chr2-189001568-A-T. GRCh37 (hg19) VCF-style: chr2-189866294-A-T.
Identifiers: ClinVar variation 4232231 (VCV004232231.3).
Genomic context (GRCh38, chr2:189,001,568, plus strand): 5'-GACAGTGACATGGCTTCTCTTTTTCCAGGGTGAAGGTGGTGCCCCCGGACTTCCAGGTAT[A>T]GCTGGACCTCGTGGTAGCCCTGTAAGTGTTAAAGACATTCTCAACATACTTTTTAACCCC-3'
Protein context (NP_000081.2, residues 780-800): GEGGAPGLPG[Ile790=]AGPRGSPGER

ClinVar aggregate classification (germline): Likely benign. Review status: criteria provided, multiple submitters, no conflicts (2 of 4 stars). 3 submissions from 3 submitters: Likely benign (3). Last evaluated 2025-11-24.

Conditions:
Ehlers-Danlos syndrome, type 4 (EDSVASC). Also called: Ehlers-Danlos syndrome vascular type; Ehlers Danlos syndrome, ecchymotic type; Ehlers Danlos syndrome, arterial type; Ehlers Danlos syndrome, Sack-Barabas type; Ehlers-Danlos Syndrome Type IV. Identifiers: Orphanet 286, MedGen C0268338, MONDO:0017314, OMIM 130050.
Familial thoracic aortic aneurysm and aortic dissection (TAAD). Also called: Thoracic aortic aneurysms and dissections. Identifiers: Orphanet 91387, MedGen C4707243, MONDO:0019625.

gnomAD v4.1: 5 of 1,614,092 alleles (0.00031%); highest among the groups gnomAD compares: Non-Finnish European, 0.00042%; no homozygotes.

Submissions (3):

Women's Health and Genetics/Laboratory Corporation of America, LabCorp
Classification: Likely benign. Last evaluated: 2025-11-24. Review status: criteria provided, single submitter. Criteria: LabCorp Variant Classification Summary - May 2015. Collection method: clinical testing. Allele origin: germline.
Comment: Variant summary: COL3A1 c.2370A>T results in a synonymous change. Consensus agreement among computation tools predict no significant impact on normal splicing. However, these predictions have yet to be confirmed by functional studies. The variant allele was found at a frequency of 4e-06 in 251472 control chromosomes. The available data on variant occurrences in the general population are insufficient to allow any conclusion about variant significance. To our knowledge, no occurrence of c.2370A>T in individuals affected with COL3A1-related conditions and no experimental evidence demonstrating its impact on protein function have been reported. ClinVar contains an entry for this variant (Variation ID: 4232231). Based on the evidence outlined above, the variant was classified as likely benign.

Labcorp Genetics (formerly Invitae), Labcorp
Classification: Likely benign for Ehlers-Danlos syndrome, type 4. Last evaluated: 2025-11-11. Review status: criteria provided, single submitter. Criteria: Invitae Variant Classification Sherloc (09022015). Collection method: clinical testing. Allele origin: germline.

Ambry Genetics
Classification: Likely benign for Familial thoracic aortic aneurysm and aortic dissection. Last evaluated: 2025-06-28. Review status: criteria provided, single submitter. Criteria: Ambry Variant Classification Scheme 2023. Collection method: clinical testing. Allele origin: germline.